The following is an entry in ClinVar:

ClinVar aggregate classification (germline): Uncertain significance (1 of 4 stars; one submission).

Allele frequency attached by ClinVar (database versions not stated): ExAC 0.00001; gnomAD 0.00001; TOPMed 0.00002; ESP Exome Variant Server 0.00008.

Submission:

Labcorp Genetics (formerly Invitae), Labcorp
Classification: Uncertain significance. Last evaluated: 2023-12-22. Review status: criteria provided, single submitter. Criteria: Invitae Variant Classification Sherloc (09022015). Collection method: clinical testing. Allele origin: germline.
Comment: This sequence change replaces valine, which is neutral and non-polar, with methionine, which is neutral and non-polar, at codon 428 of the RNF31 protein (p.Val428Met). This variant is present in population databases (rs371622366, gnomAD 0.003%). This variant has not been reported in the literature in individuals affected with RNF31-related conditions. ClinVar contains an entry for this variant (Variation ID: 1930882). An algorithm developed to predict the effect of missense changes on protein structure and function (PolyPhen-2) suggests that this variant is likely to be disruptive. In summary, the available evidence is currently insufficient to determine the role of this variant in disease. Therefore, it has been classified as a Variant of Uncertain Significance.

NM_017999.5(RNF31):c.1282G>A (p.Val428Met)

Gene: RNF31 (ring finger protein 31; plus strand). Cytogenetic location: 14q12.
Variant type: single nucleotide variant.
Coding change: c.1282G>A on transcript NM_017999.5 (MANE Select); coding-DNA position 1282, G replaced by A.
Protein change: p.Val428Met; replaces valine 428 with methionine.
Molecular consequence: missense variant.
Genome position (GRCh38, 1-based): chr14:24,150,682, G>A. VCF-style: chr14-24150682-G-A. GRCh37 (hg19) VCF-style: chr14-24619891-G-A.
Other names: c.829G>A, p.Val277Met (NM_001310332.2); short protein forms V428M, V277M.
Identifiers: ClinVar variation 1930882 (VCV001930882.5), dbSNP rs371622366, ClinGen allele CA7125735.
Genomic context (GRCh38, chr14:24,150,682, plus strand): 5'-GCCCAGAGTCAAGTCTGGTACTGTATTCACTGTACCTTCTGCAACTCGAGCCCTGGCTGG[G>A]TGTGTGTTATGTGCAACCGGACTAGTAGCCCCATTCCAGCACAACATGCCCCCCGGCCCT-3'
Protein context (NP_060469.4, residues 418-438): CTFCNSSPGW[Val428Met]CVMCNRTSSP